The following is an entry in ClinVar:

ClinVar aggregate classification (germline): Likely benign. Review status: criteria provided, multiple submitters, no conflicts (2 of 4 stars). 3 submissions from 3 submitters: Likely benign (3). Last evaluated 2026-01-10.

Conditions:
Autosomal recessive limb-girdle muscular dystrophy type 2J (LGMDR10). Also called: MUSCULAR DYSTROPHY, LIMB-GIRDLE, AUTOSOMAL RECESSIVE 10; Limb-girdle muscular dystrophy, type 2J. Identifiers: Orphanet 140922, MedGen C1837342, MONDO:0012127, OMIM 608807.
Dilated cardiomyopathy 1G (CMD1G). Identifiers: Orphanet 154, MedGen C1858763, MONDO:0011400, OMIM 604145.

Allele frequency attached by ClinVar (database versions not stated): gnomAD exomes below 0.00001 and 0.00001; gnomAD 0.00001 and 0.00002; ExAC 0.00002; TOPMed 0.00004; ESP Exome Variant Server 0.00008.
gnomAD v4.1: 14 of 1,610,566 alleles (0.00087%); highest among the groups gnomAD compares: African/African-American, 0.0027%; no homozygotes.

Submissions (3):

Labcorp Genetics (formerly Invitae), Labcorp
Classification: Likely benign for Dilated cardiomyopathy 1G; Autosomal recessive limb-girdle muscular dystrophy type 2J. Last evaluated: 2026-01-10. Review status: criteria provided, single submitter. Criteria: Invitae Variant Classification Sherloc (09022015). Collection method: clinical testing. Allele origin: germline.

Women's Health and Genetics/Laboratory Corporation of America, LabCorp
Classification: Likely benign. Last evaluated: 2024-12-12. Review status: criteria provided, single submitter. Criteria: LabCorp Variant Classification Summary - May 2015. Collection method: clinical testing. Allele origin: germline.

GeneDx
Classification: Likely benign. Last evaluated: 2018-02-27. Review status: criteria provided, single submitter. Criteria: GeneDx Variant Classification (06012015). Collection method: clinical testing. Allele origin: germline. Affected: yes.
Comment: This variant is considered likely benign or benign based on one or more of the following criteria: it is a conservative change, it occurs at a poorly conserved position in the protein, it is predicted to be benign by multiple in silico algorithms, and/or has population frequency not consistent with disease.

NM_001267550.2(TTN):c.6791-11A>G

Genes: TTN (titin; minus strand), LOC126806433 (BRD4-independent group 4 enhancer GRCh37_chr2:179638309-179639508; plus strand). Cytogenetic location: 2q31.2.
Variant type: single nucleotide variant.
Coding change: c.6791-11A>G on transcript NM_001267550.2 (MANE Select); 11 bases into the intron before coding-DNA position 6791, A replaced by G.
Molecular consequence: intron variant.
Genome position (GRCh38, 1-based): chr2:178,774,484, T>C on the plus strand (A>G on the coding strand, the complement: TTN is on the minus strand). VCF-style: chr2-178774484-T-C. GRCh37 (hg19) VCF-style: chr2-179639211-T-C.
Other names: c.6653-11A>G (NM_003319.4, NM_133437.4, NM_133432.3); c.6791-11A>G (NM_133378.4, NM_001256850.1, NM_133379.5).
Identifiers: ClinVar variation 515849 (VCV000515849.11), dbSNP rs368202177, ClinGen allele CA2004960.